The following is an entry in ClinVar:

ClinVar aggregate classification (germline): Pathogenic/Likely pathogenic. Review status: criteria provided, multiple submitters, no conflicts (2 of 4 stars). 5 submissions from 5 submitters: Pathogenic (2); Likely pathogenic (3). Last evaluated 2026-04-23.

Conditions:
Bloom syndrome (BLM). Also called: Bloom-Torre-Machacek syndrome. Identifiers: Orphanet 125, MedGen C0005859, MONDO:0008876, OMIM 210900.

Allele frequency attached by ClinVar (database versions not stated): gnomAD exomes below 0.00001; ExAC 0.00001.

Submissions (5):

Myriad Genetics, Inc.
Classification: Pathogenic for Bloom syndrome. Last evaluated: 2026-04-23. Review status: criteria provided, single submitter. Criteria: Myriad Autosomal Dominant, Autosomal Recessive and X-Linked Classification Criteria (2023). Collection method: clinical testing. Allele origin: unknown.
Comment: NM_000057.3(BLM):c.299dupA(R101Efs*42) is a frameshift variant classified as pathogenic in the context of Bloom syndrome. R101Efs*42 has not been observed in cases with relevant disease. Relevant functional assessments of this variant are not available in the literature. R101Efs*42 has been observed in referenced population frequency databases. In summary, NM_000057.3(BLM):c.299dupA(R101Efs*42) is a frameshift variant in a gene where loss of function is a known mechanism of disease and is predicted to disrupt protein function. Please note: this variant was assessed in the context of healthy population screening.

Natera, Inc.
Classification: Likely pathogenic for Bloom syndrome. Last evaluated: 2025-02-18. Review status: criteria provided, single submitter. Criteria: Natera Variant Classification Schema (03/2026). Collection method: clinical testing. Allele origin: germline.
Comment: The c.299dupA variant in BLM is a frameshift variant predicted to shift the reading frame beginning at codon 101 and leads to a stop codon 42 codons downstream. This variant is expected to result in nonsense mediated decay, truncation, or a dysfunctional protein product. This variant is rare in the general population with a frequency below the threshold expected for the associated phenotype(s). Given the available evidence, this variant is classified as Likely Pathogenic.

Labcorp Genetics (formerly Invitae), Labcorp
Classification: Pathogenic for Bloom syndrome. Last evaluated: 2024-09-06. Review status: criteria provided, single submitter. Criteria: Invitae Variant Classification Sherloc (09022015). Collection method: clinical testing. Allele origin: germline.
Comment: This sequence change creates a premature translational stop signal (p.Arg101Glufs*42) in the BLM gene. It is expected to result in an absent or disrupted protein product. Loss-of-function variants in BLM are known to be pathogenic (PMID: 17407155). This variant is present in population databases (rs768777000, gnomAD 0.007%). This variant has not been reported in the literature in individuals affected with BLM-related conditions. ClinVar contains an entry for this variant (Variation ID: 1937589). For these reasons, this variant has been classified as Pathogenic.

Baylor Genetics
Classification: Likely pathogenic for Bloom syndrome. Last evaluated: 2023-12-31. Review status: criteria provided, single submitter. Criteria: ACMG Guidelines, 2015. Collection method: clinical testing. Allele origin: unknown.

GeneDx
Classification: Likely pathogenic. Last evaluated: 2022-11-09. Review status: criteria provided, single submitter. Criteria: GeneDx Variant Classification Process June 2021. Collection method: clinical testing. Allele origin: germline. Affected: yes.
Comment: Frameshift variant predicted to result in protein truncation or nonsense mediated decay in a gene for which loss of function is a known mechanism of disease; Not observed at significant frequency in large population cohorts (gnomAD); Has not been previously published as pathogenic or benign to our knowledge

Literature cited by the submitters: PubMed 17407155 (cited by Labcorp Genetics (formerly Invitae), Labcorp).

NM_000057.4(BLM):c.299dup (p.Arg101fs)

Gene: BLM (BLM RecQ like helicase; plus strand). Cytogenetic location: 15q26.1.
Variant type: Duplication.
Coding change: c.299dup on transcript NM_000057.4 (MANE Select); coding-DNA position 299, one base duplicated (A; older notation c.299dupA).
Protein change: p.Arg101fs; shifts the reading frame from arginine 101.
Molecular consequence: frameshift variant. On other transcripts: 5 prime UTR variant (1).
Genome position (GRCh38, 1-based): chr15:90,749,567, A duplicated. VCF-style (leftmost placement, unchanged base first): chr15-90749566-C-CA. GRCh37 (hg19) VCF-style: chr15-91292796-C-CA.
Other names: c.299dup, p.Arg101fs (NM_001287246.2, NM_001287247.2); c.-993dup (NM_001287248.2); c.299dupA (NM_000057.3); short protein forms R101fs.
Identifiers: ClinVar variation 1937589 (VCV001937589.9), dbSNP rs768777000, ClinGen allele CA7738274.
Genomic context (GRCh38, chr15:90,749,566, plus strand): 5'-ACCACAAATCAGCAAAGGGTCAAGGACTTCTTTAAAAATGCTCCAGCAGGACAGGAAACA[C>CA]AGAGAGGTGGATCAAAATCATTATTGCCAGATTTCTTGCAGACTCCGAAGGAAGTTGTAT-3'